The following is an entry in ClinVar:

NM_174934.4(SCN4B):c.617C>T (p.Ser206Leu)

Gene: SCN4B (sodium voltage-gated channel beta subunit 4; minus strand). Cytogenetic location: 11q23.3.
Variant type: single nucleotide variant.
Coding change: c.617C>T on transcript NM_174934.4 (MANE Select); coding-DNA position 617, C replaced by T.
Protein change: p.Ser206Leu; replaces serine 206 with leucine.
Molecular consequence: missense variant. On other transcripts: non-coding transcript variant (1).
Genome position (GRCh38, 1-based): chr11:118,137,097, G>A on the plus strand (C>T on the coding strand, the complement: SCN4B is on the minus strand). VCF-style: chr11-118137097-G-A. GRCh37 (hg19) VCF-style: chr11-118007812-G-A.
Other names: c.215C>T, p.Ser72Leu (NM_001142348.2); c.287C>T, p.Ser96Leu (NM_001142349.2); short protein forms S206L, S72L, S96L.
Identifiers: ClinVar variation 191380 (VCV000191380.18), dbSNP rs140348243, ClinGen allele CA199796.

ClinVar aggregate classification (germline): Conflicting classifications of pathogenicity. Review status: criteria provided, conflicting classifications (1 of 4 stars). 5 submissions from 5 submitters: Uncertain significance (4); Likely benign (1). Last evaluated 2025-08-26.

Conditions:
Cardiovascular phenotype. Identifiers: MedGen CN230736.
SUDDEN INFANT DEATH SYNDROME (SIDS). Also called: Sudden Infant Death. Identifiers: MedGen C0038644, MeSH D013398, OMIM 272120.
Long QT syndrome 10 (LQT10). Identifiers: Orphanet 101016, Orphanet 768, MedGen C2678484, MONDO:0012737, OMIM 611819.

Allele frequency attached by ClinVar (database versions not stated): ExAC 0.00007; gnomAD exomes 0.00008 and 0.00016; TOPMed 0.00008; gnomAD 0.00009 and 0.00010; ESP Exome Variant Server 0.00015.
gnomAD v4.1: 248 of 1,613,700 alleles (0.015%); highest among the groups gnomAD compares: Non-Finnish European, 0.019%; no homozygotes.

Submissions (5):

Labcorp Genetics (formerly Invitae), Labcorp
Classification: Uncertain significance for Long QT syndrome 10. Last evaluated: 2025-08-26. Review status: criteria provided, single submitter. Criteria: Invitae Variant Classification Sherloc (09022015). Collection method: clinical testing. Allele origin: germline.
Comment: This sequence change replaces serine, which is neutral and polar, with leucine, which is neutral and non-polar, at codon 206 of the SCN4B protein (p.Ser206Leu). This variant is present in population databases (rs140348243, gnomAD 0.01%). This missense change has been observed in individual(s) with sudden infant death and/or atrial fibrillation (PMID: 20226894, 30821358, 31043699). ClinVar contains an entry for this variant (Variation ID: 191380). An algorithm developed to predict the effect of missense changes on protein structure and function (PolyPhen-2) suggests that this variant is likely to be disruptive. Experimental studies have shown that this missense change affects SCN4B function (PMID: 20226894). In summary, the available evidence is currently insufficient to determine the role of this variant in disease. Therefore, it has been classified as a Variant of Uncertain Significance.

GeneDx
Classification: Uncertain significance. Last evaluated: 2024-06-24. Review status: criteria provided, single submitter. Criteria: GeneDx Variant Classification Process June 2021. Collection method: clinical testing. Allele origin: germline. Affected: yes.
Comment: In silico analysis supports that this missense variant has a deleterious effect on protein structure/function; Functional studies performed in two different model expression systems show that p.(S206L) alters cardiac sodium channel function by accentuating the late sodium current (PMID: 20226894); Variants in candidate genes are classified as variants of uncertain significance in accordance with ACMG guidelines (PMID: 25741868); This variant is associated with the following publications: (PMID: 23861362, 21215473, 21454796, 23304551, 23604097, 23465283, 31043699, 30821358, 34722422, 20226894)

Ambry Genetics
Classification: Likely benign for Cardiovascular phenotype. Last evaluated: 2023-02-22. Review status: criteria provided, single submitter. Criteria: Ambry Variant Classification Scheme 2023. Collection method: clinical testing. Allele origin: germline.

Fulgent Genetics
Classification: Uncertain significance for Long QT syndrome 10. Last evaluated: 2021-08-31. Review status: criteria provided, single submitter. Criteria: ACMG Guidelines, 2015. Collection method: clinical testing. Allele origin: unknown.

Biesecker Lab/Clinical Genomics Section, National Institutes of Health
Classification: Uncertain significance for Sudden infant death syndrome. Last evaluated: 2018-04-05. Review status: criteria provided, single submitter. Criteria: ACMG Guidelines, 2015. Collection method: research. Allele origin: unknown. Affected: no. Observed: 1 variant allele.
Comment: The study set was not selected for affection status in relation to arrhythmia or cardiomyopathy. Pathogenicity categories were based on literature curation. See Pubmed ID:25741868 for details.

Medical sequencing

Literature cited by the submitters: PubMed 20226894 (cited by Labcorp Genetics (formerly Invitae), Labcorp and Ambry Genetics); PubMed 30821358 (cited by Labcorp Genetics (formerly Invitae), Labcorp); PubMed 31043699 (cited by Labcorp Genetics (formerly Invitae), Labcorp); PubMed 23465283 (cited by Ambry Genetics); PubMed 23861362 (cited by Ambry Genetics).